The following is an entry in ClinVar:

NM_000350.3(ABCA4):c.3607G>A (p.Gly1203Arg)

Gene: ABCA4 (ATP binding cassette subfamily A member 4; minus strand). Cytogenetic location: 1p22.1.
Variant type: single nucleotide variant.
Coding change: c.3607G>A on transcript NM_000350.3 (MANE Select); coding-DNA position 3607, G replaced by A.
Protein change: p.Gly1203Arg; replaces glycine 1203 with arginine.
Molecular consequence: missense variant.
Genome position (GRCh38, 1-based): chr1:94,040,043, C>T on the plus strand (G>A on the coding strand, the complement: ABCA4 is on the minus strand). VCF-style: chr1-94040043-C-T. GRCh37 (hg19) VCF-style: chr1-94505599-C-T.
Other names: c.3385G>A, p.Gly1129Arg (NM_001425324.1); short protein forms G1203R, G1129R.
Identifiers: ClinVar variation 417989 (VCV000417989.16), dbSNP rs1064793011, ClinGen allele CA16617205.

ClinVar aggregate classification (germline): Conflicting classifications of pathogenicity. Review status: criteria provided, conflicting classifications (1 of 4 stars). 4 submissions from 4 submitters: Pathogenic (2); Likely pathogenic (1); Uncertain significance (1). Last evaluated 2025-10-31.

Conditions:
ABCA4-related disorder. Also called: ABCA4-related disorders; ABCA4-related condition. Identifiers: MedGen CN239167.

Submissions (4):

Labcorp Genetics (formerly Invitae), Labcorp
Classification: Pathogenic. Last evaluated: 2025-10-31. Review status: criteria provided, single submitter. Criteria: Invitae Variant Classification Sherloc (09022015). Collection method: clinical testing. Allele origin: germline.
Comment: This sequence change replaces glycine, which is neutral and non-polar, with arginine, which is basic and polar, at codon 1203 of the ABCA4 protein (p.Gly1203Arg). This variant also falls at the last nucleotide of exon 24, which is part of the consensus splice site for this exon. This variant is not present in population databases (gnomAD no frequency). This missense change has been observed in individual(s) with retinal disease (PMID: 16896346, 29178665). In at least one individual the data is consistent with being in trans (on the opposite chromosome) from a pathogenic variant. It has also been observed to segregate with disease in related individuals. This variant is also known as p.G1202R. ClinVar contains an entry for this variant (Variation ID: 417989). An algorithm developed to predict the effect of missense changes on protein structure and function (PolyPhen-2) suggests that this variant is likely to be disruptive. Variants that disrupt the consensus splice site are a relatively common cause of aberrant splicing (PMID: 17576681, 9536098). Studies have shown that this missense change alters mRNA splicing and is expected to lead to the loss of protein expression (PMID: 29162642, 32016942). For these reasons, this variant has been classified as Pathogenic.

Blueprint Genetics
Classification: Pathogenic for ABCA4-related disorders. Last evaluated: 2024-02-12. Review status: criteria provided, single submitter. Criteria: ACMG Guidelines, 2015. Collection method: clinical testing. Allele origin: germline. Affected: yes. Observed: 5 variant alleles.

Illumina Laboratory Services, Illumina
Classification: Uncertain significance for ABCA4-Related Disorders. Last evaluated: 2017-09-17. Review status: criteria provided, single submitter. Criteria: ICSL Variant Classification Criteria 13 December 2019. Collection method: clinical testing. Allele origin: germline.
Comment: This variant was observed as part of a predisposition screen in an ostensibly healthy population. A literature search was performed for the gene, cDNA change, and amino acid change (where applicable). Publications were found based on this search. However, the evidence from the literature, in combination with allele frequency data from public databases where available, was not sufficient to rule this variant in or out of causing disease. Therefore, this variant is classified as a variant of unknown significance.

GeneDx
Classification: Likely pathogenic. Last evaluated: 2013-12-29. Review status: criteria provided, single submitter. Criteria: GeneDx Variant Classification (06012015). Collection method: clinical testing. Allele origin: germline. Affected: yes.
Comment: The G1203R missense change in the ABCA4 gene has been reported in association with ABCA4-related disorders (Stenirri et al., 2004). However, no functional data was provided and the patient that is reported also harbored the K223Q and S1071L variants. The G1203R amino acid substitution is non-conservative with a neutral non-polar residue (Gly) being replaced by a positively charged residue (Arg). This residue at which this substitution occurs is highly conserved among species. This missense change affects the last base of the exon and is predicted to impact normal splicing. In silico analysis was inconsistent with regard to the effect this variant may have on the protein structure/function. Other missense variants at this residue (G1203D and G1203E) have been reported in association with ABCA4-related disorders (Kitiratschky et al., 2008; Stenirri et al., 2004). Therefore, based on the information currently available, G1203R is a strong candidate for a pathogenic variant; however, the possibility that it is a benign variant cannot be excluded.

Literature cited by the submitters: PubMed 16896346 (cited by Labcorp Genetics (formerly Invitae), Labcorp and Illumina Laboratory Services, Illumina); PubMed 29178665 (cited by Labcorp Genetics (formerly Invitae), Labcorp); PubMed 17576681 (cited by Labcorp Genetics (formerly Invitae), Labcorp); PubMed 9536098 (cited by Labcorp Genetics (formerly Invitae), Labcorp); PubMed 29162642 (cited by Labcorp Genetics (formerly Invitae), Labcorp); PubMed 32016942 (cited by Labcorp Genetics (formerly Invitae), Labcorp); PubMed 20852892 (cited by Illumina Laboratory Services, Illumina); PubMed 15192030 (cited by Illumina Laboratory Services, Illumina); PubMed 23341817 (cited by Illumina Laboratory Services, Illumina).